The following is an entry in ClinVar:

ClinVar aggregate classification (germline): Uncertain significance (1 of 4 stars; one submission).

Submission:

Labcorp Genetics (formerly Invitae), Labcorp
Classification: Uncertain significance. Last evaluated: 2022-08-16. Review status: criteria provided, single submitter. Criteria: Invitae Variant Classification Sherloc (09022015). Collection method: clinical testing. Allele origin: germline.
Comment: This variant has not been reported in the literature in individuals affected with MTOR-related conditions. In summary, the available evidence is currently insufficient to determine the role of this variant in disease. Therefore, it has been classified as a Variant of Uncertain Significance. Experimental studies and prediction algorithms are not available or were not evaluated, and the functional significance of this variant is currently unknown. This variant is not present in population databases (gnomAD no frequency). This variant, c.5502_5510del, results in the deletion of 3 amino acid(s) of the MTOR protein (p.Ala1836_Ala1838del), but otherwise preserves the integrity of the reading frame.

NM_004958.4(MTOR):c.5502_5510del (p.Ala1836_Ala1838del)

Gene: MTOR (mechanistic target of rapamycin kinase; minus strand). Cytogenetic location: 1p36.22.
Variant type: Deletion.
Coding change: c.5502_5510del on transcript NM_004958.4 (MANE Select); coding-DNA positions 5502 to 5510, 9 bases deleted (GGCCGCCAC; older notation c.5502_5510delGGCCGCCAC).
Protein change: p.Ala1836_Ala1838del.
Molecular consequence: inframe deletion.
Genome position (GRCh38, 1-based): chr1:11,130,632-11,130,640, GTGGCGGCC deleted on the plus strand (GGCCGCCAC on the coding strand, the reverse complement: MTOR is on the minus strand); deleting any 9 consecutive bases within chr1:11,130,632-11,130,644 gives the same sequence; the c. name uses the placement nearest the transcript's 3' end. VCF-style (leftmost placement, unchanged base first): chr1-11130631-AGTGGCGGCC-A. GRCh37 (hg19) VCF-style: chr1-11190688-AGTGGCGGCC-A.
Other names: c.5502_5510del, p.Ala1836_Ala1838del (NM_001386500.1); c.4254_4262del, p.Ala1420_Ala1422del (NM_001386501.1).
Identifiers: ClinVar variation 1992596 (VCV001992596.4), dbSNP rs2522338224, ClinGen allele CA2580061061.
Genomic context (GRCh38, chr1:11,130,631, plus strand): 5'-CTCGGTGCTCTCGGCCTCGCTCTCACTGTTGCTGCCCTCGGTGCTGGCAGTGGTGGTGGC[AGTGGCGGCC>A]GTGGTGGCGGCAGTGGTGGCGTTGGTGATGTTGGCCCCGCTGGCATGACGCAGTTTCTTC-3'